The following is an entry in ClinVar:

NM_130837.3(OPA1):c.1760_1761delinsAT (p.Ser587Asn)

Genes: OPA1 (OPA1 mitochondrial dynamin like GTPase; plus strand), LOC126806913 (BRD4-independent group 4 enhancer GRCh37_chr3:193364377-193365576; plus strand). Cytogenetic location: 3q29.
Variant type: Indel.
Coding change: c.1760_1761delinsAT on transcript NM_130837.3 (MANE Select); coding-DNA positions 1760 to 1761, GC replaced by AT.
Protein change: p.Ser587Asn; replaces serine 587 with asparagine.
Molecular consequence: missense variant.
Genome position (GRCh38, 1-based): chr3:193,647,070-193,647,071, GC replaced by AT. VCF-style: chr3-193647070-GC-AT. GRCh37 (hg19) VCF-style: chr3-193364859-GC-AT.
Other names: c.1226_1227delinsAT, p.Ser409Asn (NM_001354663.2); c.1223_1224delinsAT, p.Ser408Asn (NM_001354664.2); c.1595_1596delinsAT, p.Ser532Asn (NM_015560.3); c.1487_1488delinsAT, p.Ser496Asn (NM_130831.3); c.1541_1542delinsAT, p.Ser514Asn (NM_130832.3); c.1598_1599delinsAT, p.Ser533Asn (NM_130833.3); c.1649_1650delinsAT, p.Ser550Asn (NM_130834.3); c.1652_1653delinsAT, p.Ser551Asn (NM_130835.3); and 1 more; short protein forms S496N, S514N, S532N, S533N, S569N, S408N, S550N, S587N.
Identifiers: ClinVar variation 4697057 (VCV004697057.1).

ClinVar aggregate classification (germline): Uncertain significance (1 of 4 stars; one submission).

Submission:

Labcorp Genetics (formerly Invitae), Labcorp
Classification: Uncertain significance. Last evaluated: 2025-10-18. Review status: criteria provided, single submitter. Criteria: Invitae Variant Classification Sherloc (09022015). Collection method: clinical testing. Allele origin: germline.
Comment: This sequence change replaces serine, which is neutral and polar, with asparagine, which is neutral and polar, at codon 532 of the OPA1 protein (p.Ser532Asn). This variant is present in population databases (no rsID available, gnomAD 0.0004%). This variant has not been reported in the literature in individuals affected with OPA1-related conditions. An algorithm developed to predict the effect of missense changes on protein structure and function (PolyPhen-2) suggests that this variant is likely to be tolerated. In summary, the available evidence is currently insufficient to determine the role of this variant in disease. Therefore, it has been classified as a Variant of Uncertain Significance.